The following is an entry in ClinVar:

ClinVar aggregate classification (germline): Pathogenic. Review status: reviewed by expert panel (3 of 4 stars). 3 submissions from 3 submitters: Pathogenic (1). 2 of the submissions do not count toward it. Last evaluated 2016-09-08.

Conditions:
Breast-ovarian cancer, familial, susceptibility to, 2 (BROVCA2). Also called: BRCA2 Hereditary Breast and Ovarian Cancer. Identifiers: Orphanet 145, MedGen C2675520, MONDO:0012933, OMIM 612555. Disease mechanism: loss of function.

Submissions (3):

Evidence-based Network for the Interpretation of Germline Mutant Alleles (ENIGMA)
Classification: Pathogenic for Breast-ovarian cancer, familial, susceptibility to, 2. Last evaluated: 2016-09-08. Review status: reviewed by expert panel. Criteria: ENIGMA BRCA1/2 Classification Criteria (2015). Collection method: curation. Allele origin: germline.
Comment: Variant allele predicted to encode a truncated non-functional protein.

Quest Diagnostics Nichols Institute San Juan Capistrano
Classification: Likely pathogenic. Last evaluated: 2025-07-01. Review status: criteria provided, single submitter. Criteria: Quest Diagnostics criteria. Collection method: clinical testing. Allele origin: unknown. Not counted in ClinVar's aggregate classification.
Comment: The BRCA2 c.4171del (p.Glu1391Lysfs*19) variant alters the translational reading frame of the BRCA2 mRNA and is predicted to cause the premature termination of BRCA2 protein synthesis. This variant has not been reported in individuals with BRCA2-related conditions in the published literature. This variant has not been reported in large, multi-ethnic general populations (Genome Aggregation Database). Based on the available information, this variant is classified as likely pathogenic.

Consortium of Investigators of Modifiers of BRCA1/2 (CIMBA), c/o University of Cambridge
Classification: Pathogenic for Breast-ovarian cancer, familial, susceptibility to, 2. Last evaluated: 2015-10-02. Review status: criteria provided, single submitter. Criteria: CIMBA Mutation Classification guidelines May 2016. Collection method: clinical testing. Allele origin: germline. Not counted in ClinVar's aggregate classification.

Literature cited by the submitters: PubMed 28184943 (cited by Quest Diagnostics Nichols Institute San Juan Capistrano); PubMed 21305653 (cited by Quest Diagnostics Nichols Institute San Juan Capistrano); PubMed 32614418 (cited by Quest Diagnostics Nichols Institute San Juan Capistrano); PubMed 29446198 (cited by Quest Diagnostics Nichols Institute San Juan Capistrano).

NM_000059.4(BRCA2):c.4171del (p.Glu1391fs)

Gene: BRCA2 (BRCA2 DNA repair associated; plus strand). Cytogenetic location: 13q13.1.
Variant type: Deletion.
Coding change: c.4171del on transcript NM_000059.4 (MANE Select); coding-DNA position 4171, one base deleted (G; older notation c.4171delG).
Protein change: p.Glu1391fs; shifts the reading frame from glutamic acid 1391.
Molecular consequence: frameshift variant.
Genome position (GRCh38, 1-based): chr13:32,338,526, G deleted; the last of 2 consecutive G bases (chr13:32,338,525-32,338,526); deleting either gives the same sequence. VCF-style (leftmost placement, unchanged base first): chr13-32338524-TG-T. GRCh37 (hg19) VCF-style: chr13-32912661-TG-T.
Other names: c.4171delG (NM_000059.3).
Identifiers: ClinVar variation 51610 (VCV000051610.6), dbSNP rs397507711, ClinGen allele CA019663.
Genomic context (GRCh38, chr13:32,338,524, plus strand): 5'-GCCAGTTTATGAAGGAGGGAAACACTCAGATTAAAGAAGATTTGTCAGATTTAACTTTTT[TG>T]GAAGTTGCGAAAGCTCAAGAAGCATGTCATGGTAATACTTCAAATAAAGAACAGTTAACT-3'